The following is an entry in ClinVar:

ClinVar aggregate classification (germline): Uncertain significance (1 of 4 stars; one submission).

Conditions:
Familial intrahepatic cholestasis. Identifiers: Orphanet 284385, MedGen CN296401, MONDO:0017290.

Submission:

Genomenon, Inc
Classification: Uncertain significance for Familial intrahepatic cholestasis. Last evaluated: 2026-04-14. Review status: criteria provided, single submitter. Criteria: Genomenon Sequence Variant Interpretation Standards - Updated. Collection method: curation. Allele origin: germline. Affected: yes.
Comment: ABCB11 c.76+3G>T is an intronic variant located in the donor splice region of intron 2. This variant has been observed in at least one proband with an ABCB11-related disorder (PMID:32087350;20232290). It is absent or not present at a significant frequency in gnomAD. In silico models predict that this variant is possibly or probably damaging. In conclusion, we classify ABCB11 c.76+3G>T as a variant of uncertain significance.

Literature cited by the submitters: PubMed 32087350; PubMed 20232290.

NM_003742.4(ABCB11):c.76+3G>T

Gene: ABCB11 (ATP binding cassette subfamily B member 11; minus strand). Cytogenetic location: 2q31.1.
Variant type: single nucleotide variant.
Coding change: c.76+3G>T on transcript NM_003742.4 (MANE Select); 3 bases into the intron after coding-DNA position 76, G replaced by T.
Molecular consequence: intron variant.
Genome position (GRCh38, 1-based): chr2:169,018,047, C>A on the plus strand (G>T on the coding strand, the complement: ABCB11 is on the minus strand). VCF-style: chr2-169018047-C-A. GRCh37 (hg19) VCF-style: chr2-169874557-C-A.
Identifiers: ClinVar variation 4846719 (VCV004846719.1).
Genomic context (GRCh38, chr2:169,018,047, plus strand): 5'-TTGTCCTACTTTTGTTCTCACCTCTCCTTGTACAAGATGCAGTGAGGGAAAAAAGCCACT[C>A]ACATGATTTATCTGACTCAAAACCATCATTCTCCTCTCCAAATTTCTTTATACTTCGAAG-3'